The following is an entry in ClinVar:

NM_002906.4(RDX):c.236A>G (p.Lys79Arg)

Gene: RDX (radixin; minus strand). Cytogenetic location: 11q22.3.
Variant type: single nucleotide variant.
Coding change: c.236A>G on transcript NM_002906.4 (MANE Select); coding-DNA position 236, A replaced by G.
Protein change: p.Lys79Arg; replaces lysine 79 with arginine.
Molecular consequence: missense variant. On other transcripts: intron variant (2).
Genome position (GRCh38, 1-based): chr11:110,264,191, T>C on the plus strand (A>G on the coding strand, the complement: RDX is on the minus strand). VCF-style: chr11-110264191-T-C. GRCh37 (hg19) VCF-style: chr11-110134916-T-C.
Other names: c.236A>G, p.Lys79Arg (NM_001260492.2, NM_001260493.2); c.140A>G, p.Lys47Arg (NM_001260496.2); c.-83+15490A>G (NM_001260495.2); c.60-6002A>G (NM_001260494.2); short protein forms K47R, K79R.
Identifiers: ClinVar variation 1802039 (VCV001802039.1), dbSNP rs1346670512, ClinGen allele CA382868884.

ClinVar aggregate classification (germline): Uncertain significance (1 of 4 stars; one submission).

Allele frequency attached by ClinVar (database versions not stated): gnomAD exomes below 0.00001; TOPMed below 0.00001.
gnomAD v4.1: 3 of 1,611,438 alleles (0.00019%); highest among the groups gnomAD compares: Non-Finnish European, 0.00025%; no homozygotes.

Submission:

GeneDx
Classification: Uncertain significance. Last evaluated: 2022-06-01. Review status: criteria provided, single submitter. Criteria: GeneDx Variant Classification Process June 2021. Collection method: clinical testing. Allele origin: germline. Affected: yes.
Comment: Not observed at significant frequency in large population cohorts (gnomAD); In silico analysis supports that this missense variant has a deleterious effect on protein structure/function; Has not been previously published as pathogenic or benign to our knowledge